The following is an entry in ClinVar:

ClinVar aggregate classification (germline): Pathogenic/Likely pathogenic. Review status: criteria provided, multiple submitters, no conflicts (2 of 4 stars). 2 submissions from 2 submitters: Pathogenic (1); Likely pathogenic (1). Last evaluated 2025-12-11.

Conditions:
Short stature-optic atrophy-Pelger-Huët anomaly syndrome. Also called: Short stature-optic atrophy-Pelger-HuC+t anomaly syndrome; Short stature, optic nerve atrophy, and Pelger-Huet anomaly. Identifiers: Orphanet 391677, MedGen C3541319, MONDO:0013889, OMIM 614800.
Infantile liver failure syndrome 2 (ILFS2). Identifiers: MedGen C3809651, MONDO:0014659, OMIM 616483.

Allele frequency attached by ClinVar (database versions not stated): gnomAD exomes below 0.00001 and 0.00001; gnomAD 0.00001; TOPMed 0.00001; ExAC 0.00002.
gnomAD v4.1: 6 of 1,613,896 alleles (0.00037%); highest among the groups gnomAD compares: Admixed American, 0.0033%; no homozygotes.

Submissions (2):

Labcorp Genetics (formerly Invitae), Labcorp
Classification: Pathogenic. Last evaluated: 2025-12-11. Review status: criteria provided, single submitter. Criteria: Invitae Variant Classification Sherloc (09022015). Collection method: clinical testing. Allele origin: germline.
Comment: This sequence change creates a premature translational stop signal (p.Gln1106*) in the NBAS gene. It is expected to result in an absent or disrupted protein product. Loss-of-function variants in NBAS are known to be pathogenic (PMID: 26073778, 26541327, 27789416, 28031453). This variant is present in population databases (rs767908363, gnomAD 0.006%). This variant has not been reported in the literature in individuals affected with NBAS-related conditions. ClinVar contains an entry for this variant (Variation ID: 1457346). Algorithms developed to predict the effect of sequence changes on RNA splicing suggest that this variant may disrupt the consensus splice site. For these reasons, this variant has been classified as Pathogenic.

Fulgent Genetics
Classification: Likely pathogenic for Short stature-optic atrophy-Pelger-Huët anomaly syndrome; Infantile liver failure syndrome 2. Last evaluated: 2024-04-08. Review status: criteria provided, single submitter. Criteria: ACMG Guidelines, 2015. Collection method: clinical testing. Allele origin: germline.

Literature cited by the submitters: PubMed 26073778 (cited by Labcorp Genetics (formerly Invitae), Labcorp); PubMed 26541327 (cited by Labcorp Genetics (formerly Invitae), Labcorp); PubMed 27789416 (cited by Labcorp Genetics (formerly Invitae), Labcorp); PubMed 28031453 (cited by Labcorp Genetics (formerly Invitae), Labcorp).

NM_015909.4(NBAS):c.3316C>T (p.Gln1106Ter)

Gene: NBAS (NBAS subunit of NRZ tethering complex; minus strand). Cytogenetic location: 2p24.3.
Variant type: single nucleotide variant.
Coding change: c.3316C>T on transcript NM_015909.4 (MANE Select); coding-DNA position 3316, C replaced by T.
Protein change: p.Gln1106Ter; replaces glutamine 1106 with a stop codon.
Molecular consequence: nonsense. On other transcripts: non-coding transcript variant (1).
Genome position (GRCh38, 1-based): chr2:15,383,259, G>A on the plus strand (C>T on the coding strand, the complement: NBAS is on the minus strand). VCF-style: chr2-15383259-G-A. GRCh37 (hg19) VCF-style: chr2-15523383-G-A.
Other names: short protein forms Q1106*.
Identifiers: ClinVar variation 1457346 (VCV001457346.7), dbSNP rs767908363, ClinGen allele CA1536067.